The following is an entry in ClinVar:

NM_000660.7(TGFB1):c.635-7C>A

Gene: TGFB1 (transforming growth factor beta 1; minus strand). Cytogenetic location: 19q13.2.
Variant type: single nucleotide variant.
Coding change: c.635-7C>A on transcript NM_000660.7 (MANE Select); 7 bases into the intron before coding-DNA position 635, C replaced by A.
Molecular consequence: intron variant.
Genome position (GRCh38, 1-based): chr19:41,342,254, G>T on the plus strand (C>A on the coding strand, the complement: TGFB1 is on the minus strand). VCF-style: chr19-41342254-G-T. GRCh37 (hg19) VCF-style: chr19-41848159-G-T.
Identifiers: ClinVar variation 3669895 (VCV003669895.2).

ClinVar aggregate classification (germline): Uncertain significance (1 of 4 stars; one submission).

gnomAD v4.1: 1 of 1,587,678 alleles (0.000063%); highest among the groups gnomAD compares: South Asian, 0.0011%; no homozygotes.

Submission:

Labcorp Genetics (formerly Invitae), Labcorp
Classification: Uncertain significance. Last evaluated: 2025-05-15. Review status: criteria provided, single submitter. Criteria: Invitae Variant Classification Sherloc (09022015). Collection method: clinical testing. Allele origin: germline.
Comment: This sequence change falls in intron 3 of the TGFB1 gene. It does not directly change the encoded amino acid sequence of the TGFB1 protein. This variant is not present in population databases (gnomAD no frequency). This variant has not been reported in the literature in individuals affected with TGFB1-related conditions. ClinVar contains an entry for this variant (Variation ID: 3669895). Algorithms developed to predict the effect of sequence changes on RNA splicing suggest that this variant may disrupt the consensus splice site. In summary, the available evidence is currently insufficient to determine the role of this variant in disease. Therefore, it has been classified as a Variant of Uncertain Significance.